The following is an entry in ClinVar:

ClinVar aggregate classification (germline): Pathogenic. Review status: criteria provided, multiple submitters, no conflicts (2 of 4 stars). 3 submissions from 3 submitters: Pathogenic (2). 1 of the submissions does not count toward it. Last evaluated 2023-04-25.

Conditions:
Familial adenomatous polyposis 1 (FAP1). Also called: FAMILIAL ADENOMATOUS POLYPOSIS 1, ATTENUATED; POLYPOSIS, ADENOMATOUS INTESTINAL. Identifiers: MedGen C2713442, MONDO:0021056, OMIM 175100. Disease mechanism: loss of function.
Carcinoma of colon (CRC). Also called: Colon carcinoma; Colonic carcinoma. Identifiers: MedGen C0699790, MONDO:0002032.

Submissions (3):

Myriad Genetics, Inc.
Classification: Pathogenic for Familial adenomatous polyposis 1. Last evaluated: 2023-04-25. Review status: criteria provided, single submitter. Criteria: Myriad Autosomal Dominant, Autosomal Recessive and X-Linked Classification Criteria (2023). Collection method: clinical testing. Allele origin: unknown.
Comment: This variant is considered pathogenic. This variant creates a termination codon and is predicted to result in premature protein truncation.

Labcorp Genetics (formerly Invitae), Labcorp
Classification: Pathogenic for Familial adenomatous polyposis 1. Last evaluated: 2022-08-03. Review status: criteria provided, single submitter. Criteria: Invitae Variant Classification Sherloc (09022015). Collection method: clinical testing. Allele origin: germline.
Comment: For these reasons, this variant has been classified as Pathogenic. ClinVar contains an entry for this variant (Variation ID: 433597). This variant has not been reported in the literature in individuals affected with APC-related conditions. This variant is not present in population databases (gnomAD no frequency). This sequence change creates a premature translational stop signal (p.Leu68*) in the APC gene. It is expected to result in an absent or disrupted protein product. Loss-of-function variants in APC are known to be pathogenic (PMID: 17963004, 20685668).

Department of Pathology and Laboratory Medicine, Sinai Health System
Classification: Pathogenic for Carcinoma of colon. Review status: no assertion criteria provided. Collection method: clinical testing. Allele origin: unknown. Affected: yes. Study: The Canadian Open Genetics Repository (COGR). Not counted in ClinVar's aggregate classification.
Comment: The APC p p.Leu68X variant was not identified in the literature, nor was it identified in the dbSNP, NHLBI Exome Sequencing Project (Exome Variant Server), Exome Aggregation Consortium (ExAC), HGMD, COSMIC, MutDB, InSiGHT Colon Cancer Gene Variant Database, â€šÃ„ÃºZhejiang Colon Cancer Databaseâ€šÃ„Ã¹, ClinVar, GeneInsight VariantWire or UMD. The p.Leu68X variant leads to a premature stop codon at position 68, which is predicted to lead to a truncated or absent protein and loss of function. Loss of function variants of the APC gene are an established mechanism of disease in FAP and this is the type of variant expected to cause the disorder. This alteration would typically be predicted to result in a truncated or absent protein and loss of function; however, one study has demonstrated that for APC mutations closer to the 5â€šÃ„Ã´ terminus, an internal ribosome entry site is utilized to initiate translation at codon 184, resulting in a partially functional N-terminally truncated protein, which results in an attenuated phenotype (Heppner Goss 2002). In summary, based on the above information, this variant meets our laboratoryâ€šÃ„Ã´s criteria to be classified as pathogenic.

Literature cited by the submitters: PubMed 17963004 (cited by Labcorp Genetics (formerly Invitae), Labcorp); PubMed 20685668 (cited by Labcorp Genetics (formerly Invitae), Labcorp).

NM_000038.6(APC):c.203T>G (p.Leu68Ter)

Gene: APC (APC regulator of Wnt signaling pathway; plus strand). Cytogenetic location: 5q22.2.
Variant type: single nucleotide variant.
Coding change: c.203T>G on transcript NM_000038.6 (MANE Select); coding-DNA position 203, T replaced by G.
Protein change: p.Leu68Ter; replaces leucine 68 with a stop codon.
Molecular consequence: nonsense. On other transcripts: 5 prime UTR variant (1).
Genome position (GRCh38, 1-based): chr5:112,766,393, T>G. VCF-style: chr5-112766393-T-G. GRCh37 (hg19) VCF-style: chr5-112102090-T-G.
Other names: c.203T>G, p.Leu68Ter (NM_001127510.3, NM_001354895.2, NM_001354896.2 and 2 more transcripts); c.233T>G, p.Leu78Ter (NM_001127511.3, NM_001354897.2, NM_001354902.2); c.128T>G, p.Leu43Ter (NM_001354898.2, NM_001354904.2); c.26T>G, p.Leu9Ter (NM_001354900.2, NM_001354901.2, NM_001354905.2); c.-833T>G (NM_001354906.2); short protein forms L68*, L78*, L43*, L9*.
Identifiers: ClinVar variation 433597 (VCV000433597.9), dbSNP rs1554069549, ClinGen allele CA16021788.
Genomic context (GRCh38, chr5:112,766,393, plus strand): 5'-TTAAACAACTACAAGGAAGTATTGAAGATGAAGCTATGGCTTCTTCTGGACAGATTGATT[T>G]ATTAGAGCGTCTTAAAGGTAGATTTTAAAAAGGTGTTTTAAAATAATTTTTTAAGCTCAA-3'